The following is an entry in ClinVar:

ClinVar aggregate classification (germline): Pathogenic. Review status: criteria provided, multiple submitters, no conflicts (2 of 4 stars). 3 submissions from 3 submitters: Pathogenic (3). Last evaluated 2025-03-04.

Conditions:
Nystagmus 6, congenital, X-linked (NYS6). Identifiers: MedGen C3151752, MONDO:0010435, OMIM 300814.

Submissions (3):

Labcorp Genetics (formerly Invitae), Labcorp
Classification: Pathogenic. Last evaluated: 2025-03-04. Review status: criteria provided, single submitter. Criteria: Invitae Variant Classification Sherloc (09022015). Collection method: clinical testing. Allele origin: germline.
Comment: This sequence change creates a premature translational stop signal (p.Ile244Thrfs*10) in the GPR143 gene. It is expected to result in an absent or disrupted protein product. Loss-of-function variants in GPR143 are known to be pathogenic (PMID: 15965158, 18978956, 19390656, 21541274, 26160353, 28211458). This variant is not present in population databases (gnomAD no frequency). This variant has not been reported in the literature in individuals affected with GPR143-related conditions. ClinVar contains an entry for this variant (Variation ID: 619966). For these reasons, this variant has been classified as Pathogenic.

GeneDx
Classification: Pathogenic. Last evaluated: 2023-02-10. Review status: criteria provided, single submitter. Criteria: GeneDx Variant Classification Process June 2021. Collection method: clinical testing. Allele origin: germline. Affected: yes.
Comment: Frameshift variant predicted to result in protein truncation or nonsense mediated decay in a gene for which loss-of-function is a known mechanism of disease; Not observed at significant frequency in large population cohorts (gnomAD); Has not been previously published as pathogenic or benign to our knowledge; This variant is associated with the following publications: (PMID: 18978956, 28211458, 26160353, 15965158, 21541274, 19390656)

Molecular Diagnostics Laboratory, M Health Fairview: University of Minnesota
Classification: Pathogenic for Nystagmus 6, congenital, X-linked. Last evaluated: 2017-04-27. Review status: criteria provided, single submitter. Criteria: ACMG Guidelines, 2015. Collection method: clinical testing. Allele origin: germline. Affected: yes. Observed: 1 variant allele.

Literature cited by the submitters: PubMed 15965158 (cited by Labcorp Genetics (formerly Invitae), Labcorp); PubMed 18978956 (cited by Labcorp Genetics (formerly Invitae), Labcorp); PubMed 19390656 (cited by Labcorp Genetics (formerly Invitae), Labcorp); PubMed 21541274 (cited by Labcorp Genetics (formerly Invitae), Labcorp); PubMed 26160353 (cited by Labcorp Genetics (formerly Invitae), Labcorp); PubMed 28211458 (cited by Labcorp Genetics (formerly Invitae), Labcorp).

NM_000273.3(GPR143):c.731del (p.Ile244fs)

Gene: GPR143 (G protein-coupled receptor 143; minus strand). Cytogenetic location: Xp22.2.
Variant type: Deletion.
Coding change: c.731del on transcript NM_000273.3 (MANE Select); coding-DNA position 731, one base deleted (T; older notation c.731delT).
Protein change: p.Ile244fs; shifts the reading frame from isoleucine 244.
Molecular consequence: frameshift variant.
Genome position (GRCh38, 1-based): chrX:9,743,601, A deleted on the plus strand (T on the coding strand, the reverse complement: GPR143 is on the minus strand). VCF-style (leftmost placement, unchanged base first): chrX-9743600-GA-G. GRCh37 (hg19) VCF-style: chrX-9711640-GA-G.
Other names: c.731delT (NM_000273.2); c.731del (NM_000273.2); short protein forms I244fs.
Identifiers: ClinVar variation 619966 (VCV000619966.6), dbSNP rs1569118851, ClinGen allele CA913191008.